The following is an entry in ClinVar:

NM_001364905.1(LRBA):c.5066C>T (p.Pro1689Leu)

Gene: LRBA (LPS responsive beige-like anchor protein; minus strand). Cytogenetic location: 4q31.3.
Variant type: single nucleotide variant.
Coding change: c.5066C>T on transcript NM_001364905.1 (MANE Select); coding-DNA position 5066, C replaced by T.
Protein change: p.Pro1689Leu; replaces proline 1689 with leucine.
Molecular consequence: missense variant.
Genome position (GRCh38, 1-based): chr4:150,828,285, G>A on the plus strand (C>T on the coding strand, the complement: LRBA is on the minus strand). VCF-style: chr4-150828285-G-A. GRCh37 (hg19) VCF-style: chr4-151749437-G-A.
Other names: c.5066C>T, p.Pro1689Leu (NM_001199282.3, NM_001367550.1, NM_006726.5); short protein forms P1689L.
Identifiers: ClinVar variation 643322 (VCV000643322.4), dbSNP rs779150358, ClinGen allele CA3102589.

ClinVar aggregate classification (germline): Uncertain significance. Review status: criteria provided, multiple submitters, no conflicts (2 of 4 stars). 2 submissions from 2 submitters: Uncertain significance (2). Last evaluated 2025-04-09.

Conditions:
Combined immunodeficiency due to LRBA deficiency. Also called: Common variable immunodeficiency 8, with autoimmunity. Identifiers: Orphanet 445018, MedGen C3553512, MONDO:0013863, OMIM 614700.
Inborn genetic diseases. Identifiers: MedGen C0950123, MeSH D030342.

Allele frequency attached by ClinVar (database versions not stated): gnomAD 0.00001; ExAC 0.00002; gnomAD exomes 0.00002 and 0.00004; TOPMed 0.00002.
gnomAD v4.1: 66 of 1,614,002 alleles (0.0041%); highest among the groups gnomAD compares: Non-Finnish European, 0.0044%; no homozygotes.

Submissions (2):

Ambry Genetics
Classification: Uncertain significance for Inborn genetic diseases. Last evaluated: 2025-04-09. Review status: criteria provided, single submitter. Criteria: Ambry Variant Classification Scheme 2023. Collection method: clinical testing. Allele origin: germline.

Labcorp Genetics (formerly Invitae), Labcorp
Classification: Uncertain significance for Common variable immunodeficiency 8, with autoimmunity. Last evaluated: 2018-10-26. Review status: criteria provided, single submitter. Criteria: Invitae Variant Classification Sherloc (09022015). Collection method: clinical testing. Allele origin: germline.
Comment: This sequence change replaces proline with leucine at codon 1689 of the LRBA protein (p.Pro1689Leu). The proline residue is weakly conserved and there is a moderate physicochemical difference between proline and leucine. This variant is present in population databases (rs779150358, ExAC 0.003%). This variant has not been reported in the literature in individuals with LRBA-related disease. Algorithms developed to predict the effect of missense changes on protein structure and function (SIFT, PolyPhen-2, Align-GVGD) all suggest that this variant is likely to be tolerated, but these predictions have not been confirmed by published functional studies and their clinical significance is uncertain. In summary, the available evidence is currently insufficient to determine the role of this variant in disease. Therefore, it has been classified as a Variant of Uncertain Significance.